The following is an entry in ClinVar:

ClinVar aggregate classification (germline): Conflicting classifications of pathogenicity. Review status: criteria provided, conflicting classifications (1 of 4 stars). 2 submissions from 2 submitters: Uncertain significance (1); Likely benign (1). Last evaluated 2022-12-14.

Conditions:
Peroxisome biogenesis disorder, complementation group 7 (CG7). Also called: Peroxisome biogenesis disorder, complementation group B. Identifiers: MedGen C1864399.
Inborn genetic diseases. Identifiers: MedGen C0950123, MeSH D030342.

Allele frequency attached by ClinVar (database versions not stated): ExAC 0.00003; ESP Exome Variant Server 0.00008; gnomAD exomes 0.00015.
gnomAD v4.1: 225 of 1,609,482 alleles (0.014%); highest among the groups gnomAD compares: Non-Finnish European, 0.018%; 1 homozygote.

Submissions (2):

Ambry Genetics
Classification: Likely benign for Inborn genetic diseases. Last evaluated: 2022-12-14. Review status: criteria provided, single submitter. Criteria: Ambry Variant Classification Scheme 2023. Collection method: clinical testing. Allele origin: germline.

Labcorp Genetics (formerly Invitae), Labcorp
Classification: Uncertain significance for Peroxisome biogenesis disorder, complementation group 7. Last evaluated: 2022-11-01. Review status: criteria provided, single submitter. Criteria: Invitae Variant Classification Sherloc (09022015). Collection method: clinical testing. Allele origin: germline.
Comment: This sequence change replaces arginine, which is basic and polar, with lysine, which is basic and polar, at codon 270 of the PEX10 protein (p.Arg270Lys). This variant is present in population databases (rs372509245, gnomAD 0.009%). This variant has not been reported in the literature in individuals affected with PEX10-related conditions. Algorithms developed to predict the effect of missense changes on protein structure and function output the following: SIFT: "Tolerated"; PolyPhen-2: "Benign"; Align-GVGD: "Class C0". The lysine amino acid residue is found in multiple mammalian species, which suggests that this missense change does not adversely affect protein function. In summary, the available evidence is currently insufficient to determine the role of this variant in disease. Therefore, it has been classified as a Variant of Uncertain Significance.

NM_002617.4(PEX10):c.749G>A (p.Arg250Lys)

Gene: PEX10 (peroxisomal biogenesis factor 10; minus strand). Cytogenetic location: 1p36.32.
Variant type: single nucleotide variant.
Coding change: c.749G>A on transcript NM_002617.4 (MANE Select); coding-DNA position 749, G replaced by A.
Protein change: p.Arg250Lys; replaces arginine 250 with lysine.
Molecular consequence: missense variant. On other transcripts: non-coding transcript variant (1).
Genome position (GRCh38, 1-based): chr1:2,406,747, C>T on the plus strand (G>A on the coding strand, the complement: PEX10 is on the minus strand). VCF-style: chr1-2406747-C-T. GRCh37 (hg19) VCF-style: chr1-2338186-C-T.
Other names: c.806G>A, p.Arg269Lys (NM_001374425.1); c.374G>A, p.Arg125Lys (NM_001374426.1); c.317G>A, p.Arg106Lys (NM_001374427.1); c.809G>A, p.Arg270Lys (NM_153818.2); c.809G>A (NM_153818.1); short protein forms R125K, R270K, R106K, R250K, R269K.
Identifiers: ClinVar variation 2149279 (VCV002149279.2), dbSNP rs372509245, ClinGen allele CA538050.